The following is an entry in ClinVar:

ClinVar aggregate classification (germline): Uncertain significance (1 of 4 stars; one submission).

Submission:

CeGaT Center for Human Genetics Tuebingen
Classification: Uncertain significance. Last evaluated: 2023-12-01. Review status: criteria provided, single submitter. Criteria: CeGaT Center For Human Genetics Tuebingen Variant Classification Criteria Version 2. Collection method: clinical testing. Allele origin: germline. Affected: yes. Observed: 1 variant allele.
Comment: ALX4: PM2, PP3

NM_021926.4(ALX4):c.848C>T (p.Thr283Ile)

Gene: ALX4 (ALX homeobox 4; minus strand). Cytogenetic location: 11p11.2.
Variant type: single nucleotide variant.
Coding change: c.848C>T on transcript NM_021926.4 (MANE Select); coding-DNA position 848, C replaced by T.
Protein change: p.Thr283Ile; replaces threonine 283 with isoleucine.
Molecular consequence: missense variant.
Genome position (GRCh38, 1-based): chr11:44,267,552, G>A on the plus strand (C>T on the coding strand, the complement: ALX4 is on the minus strand). VCF-style: chr11-44267552-G-A. GRCh37 (hg19) VCF-style: chr11-44289102-G-A.
Other names: short protein forms T283I.
Identifiers: ClinVar variation 3026651 (VCV003026651.22), dbSNP rs771444101, ClinGen allele CA380181955.
Genomic context (GRCh38, chr11:44,267,552, plus strand): 5'-ACCTGGGCGTAGTTCTCAGCTCGGGTGAGGAGGGGCAGCTCATATGCAGTGGAGAAGTGG[G>A]TTCGAACCTGCTGCATCTGCCCAAAACGCTCCCGCTTCCTCCACTTGGCCCTTCGGTTCT-3'
Protein context (NP_068745.2, residues 273-293): ERFGQMQQVR[Thr283Ile]HFSTAYELPL